The following is an entry in ClinVar:

NM_006393.3(NEBL):c.904C>T (p.Arg302Ter)

Gene: NEBL (nebulette; minus strand). Cytogenetic location: 10p12.31.
Variant type: single nucleotide variant.
Coding change: c.904C>T on transcript NM_006393.3 (MANE Select); coding-DNA position 904, C replaced by T.
Protein change: p.Arg302Ter; replaces arginine 302 with a stop codon.
Molecular consequence: nonsense. On other transcripts: intron variant (9).
Genome position (GRCh38, 1-based): chr10:20,852,649, G>A on the plus strand (C>T on the coding strand, the complement: NEBL is on the minus strand). VCF-style: chr10-20852649-G-A. GRCh37 (hg19) VCF-style: chr10-21141578-G-A.
Other names: c.250-39709C>T (NM_001377326.1, NM_001377327.1, NM_001377328.1); c.358-39709C>T (NM_213569.2, NM_001173484.2, NM_001377322.1); c.301-39709C>T (NM_001377324.1); c.292-39709C>T (NM_001377325.1); c.310-39709C>T (NM_001377323.1); short protein forms R302*.
Identifiers: ClinVar variation 580927 (VCV000580927.6), dbSNP rs149737043, ClinGen allele CA5433039.

ClinVar aggregate classification (germline): Uncertain significance (1 of 4 stars; one submission).

Conditions:
Primary dilated cardiomyopathy (DCM). Also called: Dilated Cardiomyopathy. Identifiers: Orphanet 217604, MedGen C0007193, MeSH D002311, MONDO:0005021, HP:0001644. Inheritance: Various modes of inheritance.

Allele frequency attached by ClinVar (database versions not stated): gnomAD 0.00003; TOPMed 0.00010; ESP Exome Variant Server 0.00015.
gnomAD v4.1: 32 of 1,599,632 alleles (0.002%); highest among the groups gnomAD compares: Admixed American, 0.02%; no homozygotes.

Submission:

Labcorp Genetics (formerly Invitae), Labcorp
Classification: Uncertain significance for Primary dilated cardiomyopathy. Last evaluated: 2025-08-09. Review status: criteria provided, single submitter. Criteria: Invitae Variant Classification Sherloc (09022015). Collection method: clinical testing. Allele origin: germline.
Comment: This sequence change creates a premature translational stop signal (p.Arg302*) in the NEBL gene. It is expected to result in an absent or disrupted protein product. However, the current clinical and genetic evidence is not sufficient to establish whether loss-of-function variants in NEBL cause disease. This variant is present in population databases (rs149737043, gnomAD 0.02%). This variant has not been reported in the literature in individuals affected with NEBL-related conditions. ClinVar contains an entry for this variant (Variation ID: 580927). In summary, the available evidence is currently insufficient to determine the role of this variant in disease. Therefore, it has been classified as a Variant of Uncertain Significance.